The following is an entry in ClinVar:

ClinVar aggregate classification (germline): Conflicting classifications of pathogenicity. Review status: criteria provided, conflicting classifications (1 of 4 stars). 2 submissions from 2 submitters: Uncertain significance (1); Likely benign (1). Last evaluated 2026-06-23.

Conditions:
Hereditary breast ovarian cancer syndrome. Also called: Hereditary breast and ovarian cancer syndrome; Hereditary breast and ovarian cancer syndrome (HBOC); Breast and ovarian cancer; Hereditary breast and/or ovarian cancer syndrome; Hereditary breast and ovarian cancer; BRCA1- and BRCA2-Associated Hereditary Breast and Ovarian Cancer. Identifiers: Orphanet 145, MedGen C0677776, MeSH D061325, MONDO:0003582. Disease mechanism: loss of function.
Hereditary cancer-predisposing syndrome. Also called: Hereditary Cancer Syndrome; Hereditary neoplastic syndrome; Neoplastic Syndromes, Hereditary; Tumor predisposition. Identifiers: Orphanet 140162, MedGen C0027672, MeSH D009386, MONDO:0015356.

Allele frequency attached by ClinVar (database versions not stated): gnomAD exomes below 0.00001; TOPMed below 0.00001.
gnomAD v4.1: 2 of 1,614,144 alleles (0.00012%); highest among the groups gnomAD compares: Non-Finnish European, 0.00017%; no homozygotes.

Submissions (2):

Ambry Genetics
Classification: Likely benign for Hereditary cancer-predisposing syndrome. Last evaluated: 2026-06-23. Review status: criteria provided, single submitter. Criteria: Ambry Variant Classification Scheme 2023. Collection method: clinical testing. Allele origin: germline.

Labcorp Genetics (formerly Invitae), Labcorp
Classification: Uncertain significance for Hereditary breast ovarian cancer syndrome. Last evaluated: 2025-04-20. Review status: criteria provided, single submitter. Criteria: Invitae Variant Classification Sherloc (09022015). Collection method: clinical testing. Allele origin: germline.
Comment: This sequence change replaces aspartic acid, which is acidic and polar, with glycine, which is neutral and non-polar, at codon 2592 of the BRCA2 protein (p.Asp2592Gly). This variant is not present in population databases (gnomAD no frequency). This variant has not been reported in the literature in individuals affected with BRCA2-related conditions. ClinVar contains an entry for this variant (Variation ID: 2728358). Invitae Evidence Modeling of protein sequence and biophysical properties (such as structural, functional, and spatial information, amino acid conservation, physicochemical variation, residue mobility, and thermodynamic stability) indicates that this missense variant is not expected to disrupt BRCA2 protein function with a negative predictive value of 95%. In summary, the available evidence is currently insufficient to determine the role of this variant in disease. Therefore, it has been classified as a Variant of Uncertain Significance.

Literature cited by the submitters: PubMed 39779848 (cited by Ambry Genetics); PubMed 39779857 (cited by Ambry Genetics).

NM_000059.4(BRCA2):c.7775A>G (p.Asp2592Gly)

Gene: BRCA2 (BRCA2 DNA repair associated; plus strand). Cytogenetic location: 13q13.1.
Variant type: single nucleotide variant.
Coding change: c.7775A>G on transcript NM_000059.4 (MANE Select); coding-DNA position 7775, A replaced by G.
Protein change: p.Asp2592Gly; replaces aspartic acid 2592 with glycine.
Molecular consequence: missense variant. On other transcripts: non-coding transcript variant (1).
Genome position (GRCh38, 1-based): chr13:32,357,899, A>G. VCF-style: chr13-32357899-A-G. GRCh37 (hg19) VCF-style: chr13-32932036-A-G.
Other names: c.7679A>G, p.Asp2560Gly (NM_001406719.1); c.7775A>G, p.Asp2592Gly (NM_001406720.1); c.2843A>G, p.Asp948Gly (NM_001406721.1); c.1358A>G, p.Asp453Gly (NM_001406722.1); short protein forms D2592G, D2560G, D453G, D948G.
Identifiers: ClinVar variation 2728358 (VCV002728358.3), dbSNP rs1279697432, ClinGen allele CA387745947.